The following is an entry in ClinVar:

ClinVar aggregate classification (germline): Uncertain significance. Review status: criteria provided, multiple submitters, no conflicts (2 of 4 stars). 4 submissions from 4 submitters: Uncertain significance (4). Last evaluated 2026-01-12.

Conditions:
Cardiomyopathy, dilated, 2E. Identifiers: MedGen C5561970, MONDO:0030366, OMIM 619492.
Hypertrophic cardiomyopathy 17. Identifiers: MedGen C3151264, MONDO:0013474, OMIM 613873.
Cardiovascular phenotype. Identifiers: MedGen CN230736.
Hypertrophic cardiomyopathy. Also called: HYPERTROPHIC MYOCARDIOPATHY. Identifiers: Orphanet 217569, MedGen C0007194, MeSH D002312, MONDO:0005045, HP:0001639.

Allele frequency attached by ClinVar (database versions not stated): TOPMed 0.00001; gnomAD exomes 0.00003.
gnomAD v4.1: 21 of 1,613,450 alleles (0.0013%); highest among the groups gnomAD compares: Non-Finnish European, 0.0018%; no homozygotes.

Submissions (4):

Labcorp Genetics (formerly Invitae), Labcorp
Classification: Uncertain significance for Hypertrophic cardiomyopathy. Last evaluated: 2026-01-12. Review status: criteria provided, single submitter. Criteria: Invitae Variant Classification Sherloc (09022015). Collection method: clinical testing. Allele origin: germline.
Comment: This sequence change replaces threonine, which is neutral and polar, with serine, which is neutral and polar, at codon 646 of the JPH2 protein (p.Thr646Ser). This variant is not present in population databases (gnomAD no frequency). This variant has not been reported in the literature in individuals affected with JPH2-related conditions. ClinVar contains an entry for this variant (Variation ID: 642211). An algorithm developed to predict the effect of missense changes on protein structure and function outputs the following: PolyPhen-2: "Benign". The serine amino acid residue is found in multiple mammalian species, which suggests that this missense change does not adversely affect protein function. In summary, the available evidence is currently insufficient to determine the role of this variant in disease. Therefore, it has been classified as a Variant of Uncertain Significance.

Ambry Genetics
Classification: Uncertain significance for Cardiovascular phenotype. Last evaluated: 2024-03-01. Review status: criteria provided, single submitter. Criteria: Ambry Variant Classification Scheme 2023. Collection method: clinical testing. Allele origin: germline.

Fulgent Genetics
Classification: Uncertain significance for Hypertrophic cardiomyopathy 17; Cardiomyopathy, dilated, 2E. Last evaluated: 2021-08-11. Review status: criteria provided, single submitter. Criteria: ACMG Guidelines, 2015. Collection method: clinical testing. Allele origin: unknown.

GeneDx
Classification: Uncertain significance. Last evaluated: 2019-04-08. Review status: criteria provided, single submitter. Criteria: GeneDx Variant Classification Process June 2021. Collection method: clinical testing. Allele origin: germline. Affected: yes.
Comment: Has not been previously published as pathogenic or benign to our knowledge; Not observed in large population cohorts (Lek et al., 2016); In silico analysis, which includes protein predictors and evolutionary conservation, supports that this variant does not alter protein structure/function

NM_020433.5(JPH2):c.1937C>G (p.Thr646Ser)

Gene: JPH2 (junctophilin 2; minus strand). Cytogenetic location: 20q13.12.
Variant type: single nucleotide variant.
Coding change: c.1937C>G on transcript NM_020433.5 (MANE Select); coding-DNA position 1937, C replaced by G.
Protein change: p.Thr646Ser; replaces threonine 646 with serine.
Molecular consequence: missense variant.
Genome position (GRCh38, 1-based): chr20:44,115,738, G>C on the plus strand (C>G on the coding strand, the complement: JPH2 is on the minus strand). VCF-style: chr20-44115738-G-C. GRCh37 (hg19) VCF-style: chr20-42744378-G-C.
Other names: short protein forms T646S.
Identifiers: ClinVar variation 642211 (VCV000642211.14), dbSNP rs1600828763, ClinGen allele CA409099641.
Genomic context (GRCh38, chr20:44,115,738, plus strand): 5'-ACCTCCGCCTCTGCCGCCAGTGCGGCCTCCTTCCGCGCCTTCTTCTTGGCCCCCGCCTTG[G>C]TCAGCCCTCGAGCCTCAGTCTTGCGGGCCTTGGCCCTGGGCTCGGCTTTGGGGATGATGG-3'
Protein context (NP_065166.2, residues 636-656): KARKTEARGL[Thr646Ser]KAGAKKKARK